The following is an entry in ClinVar:

ClinVar aggregate classification (germline): Uncertain significance (1 of 4 stars; one submission).

Conditions:
Baller-Gerold syndrome (BGS). Also called: CRANIOSYNOSTOSIS WITH RADIAL DEFECTS. Identifiers: Orphanet 1225, MedGen C0265308, MONDO:0009039, OMIM 218600.

Allele frequency attached by ClinVar (database versions not stated): gnomAD exomes below 0.00001; gnomAD 0.00001; TOPMed 0.00003; ESP Exome Variant Server 0.00008.
gnomAD v4.1: 3 of 1,612,346 alleles (0.00019%); highest among the groups gnomAD compares: African/African-American, 0.004%; no homozygotes.

Submission:

Labcorp Genetics (formerly Invitae), Labcorp
Classification: Uncertain significance for Baller-Gerold syndrome. Last evaluated: 2024-07-16. Review status: criteria provided, single submitter. Criteria: Invitae Variant Classification Sherloc (09022015). Collection method: clinical testing. Allele origin: germline.
Comment: This sequence change replaces valine, which is neutral and non-polar, with leucine, which is neutral and non-polar, at codon 1026 of the RECQL4 protein (p.Val1026Leu). This variant is present in population databases (rs370954099, gnomAD 0.007%). This variant has not been reported in the literature in individuals affected with RECQL4-related conditions. ClinVar contains an entry for this variant (Variation ID: 937918). Advanced modeling of protein sequence and biophysical properties (such as structural, functional, and spatial information, amino acid conservation, physicochemical variation, residue mobility, and thermodynamic stability) performed at Invitae indicates that this missense variant is not expected to disrupt RECQL4 protein function with a negative predictive value of 80%. In summary, the available evidence is currently insufficient to determine the role of this variant in disease. Therefore, it has been classified as a Variant of Uncertain Significance.

NM_004260.4(RECQL4):c.3076G>T (p.Val1026Leu)

Gene: RECQL4 (RecQ like helicase 4; minus strand). Cytogenetic location: 8q24.3.
Variant type: single nucleotide variant.
Coding change: c.3076G>T on transcript NM_004260.4 (MANE Select); coding-DNA position 3076, G replaced by T.
Protein change: p.Val1026Leu; replaces valine 1026 with leucine.
Molecular consequence: missense variant.
Genome position (GRCh38, 1-based): chr8:144,512,304, C>A on the plus strand (G>T on the coding strand, the complement: RECQL4 is on the minus strand). VCF-style: chr8-144512304-C-A. GRCh37 (hg19) VCF-style: chr8-145737687-C-A.
Other names: short protein forms V1026L.
Identifiers: ClinVar variation 937918 (VCV000937918.6), dbSNP rs370954099, ClinGen allele CA187679732.
Genomic context (GRCh38, chr8:144,512,304, plus strand): 5'-CAGCGGTCAAGTCCCCCGGGCTGCGAAGGTGGAAGGCCAGCTCACTGAACTCCACAAGCA[C>A]CCCTGTCCCACGCCGCACACCTGCCGGAAAGCATGTCAGATGCAGGCAGGCAGCGTCCAG-3'
Protein context (NP_004251.4, residues 1016-1036): PRTGVRRGTG[Val1026Leu]LVEFSELAFH